The following is an entry in ClinVar:

ClinVar aggregate classification (germline): Uncertain significance. Review status: criteria provided, multiple submitters, no conflicts (2 of 4 stars). 2 submissions from 2 submitters: Uncertain significance (2). Last evaluated 2026-01-04.

Conditions:
Inborn genetic diseases. Identifiers: MedGen C0950123, MeSH D030342.

gnomAD v4.1: 1 of 1,614,210 alleles (0.000062%); highest among the groups gnomAD compares: Non-Finnish European, 0.000085%; no homozygotes.

Submissions (2):

Labcorp Genetics (formerly Invitae), Labcorp
Classification: Uncertain significance. Last evaluated: 2026-01-04. Review status: criteria provided, single submitter. Criteria: Invitae Variant Classification Sherloc (09022015). Collection method: clinical testing. Allele origin: germline.
Comment: This sequence change replaces glutamine, which is neutral and polar, with histidine, which is basic and polar, at codon 1584 of the C2CD3 protein (p.Gln1584His). This variant is not present in population databases (gnomAD no frequency). This variant has not been reported in the literature in individuals affected with C2CD3-related conditions. ClinVar contains an entry for this variant (Variation ID: 3135874). Invitae Evidence Modeling of protein sequence and biophysical properties (such as structural, functional, and spatial information, amino acid conservation, physicochemical variation, residue mobility, and thermodynamic stability) indicates that this missense variant is expected to disrupt C2CD3 protein function with a positive predictive value of 80%. In summary, the available evidence is currently insufficient to determine the role of this variant in disease. Therefore, it has been classified as a Variant of Uncertain Significance.

Ambry Genetics
Classification: Uncertain significance for Inborn genetic diseases. Last evaluated: 2023-12-18. Review status: criteria provided, single submitter. Criteria: Ambry Variant Classification Scheme 2023. Collection method: clinical testing. Allele origin: germline.

NM_001286577.2(C2CD3):c.4752G>C (p.Gln1584His)

Gene: C2CD3 (C2 domain containing 3 centriole elongation regulator; minus strand). Cytogenetic location: 11q13.4.
Variant type: single nucleotide variant.
Coding change: c.4752G>C on transcript NM_001286577.2 (MANE Select); coding-DNA position 4752, G replaced by C.
Protein change: p.Gln1584His; replaces glutamine 1584 with histidine.
Molecular consequence: missense variant.
Genome position (GRCh38, 1-based): chr11:74,074,452, C>G on the plus strand (G>C on the coding strand, the complement: C2CD3 is on the minus strand). VCF-style: chr11-74074452-C-G. GRCh37 (hg19) VCF-style: chr11-73785497-C-G.
Other names: c.4752G>C, p.Gln1584His (NM_015531.6); short protein forms Q1584H.
Identifiers: ClinVar variation 3135874 (VCV003135874.2), dbSNP rs772148658, ClinGen allele CA381815315.